The following is an entry in ClinVar:

ClinVar aggregate classification (germline): Uncertain significance (1 of 4 stars; one submission).

Conditions:
Cardiovascular phenotype. Identifiers: MedGen CN230736.

Submission:

Ambry Genetics
Classification: Uncertain significance for Cardiovascular phenotype. Last evaluated: 2025-10-12. Review status: criteria provided, single submitter. Criteria: Ambry Variant Classification Scheme 2023. Collection method: clinical testing. Allele origin: germline.
Comment: The p.K1299N variant (also known as c.3897G>T), located in coding exon 22 of the FLNC gene, results from a G to T substitution at nucleotide position 3897. The lysine at codon 1299 is replaced by asparagine, an amino acid with similar properties. This amino acid position is conserved. In addition, this alteration is predicted to be tolerated by in silico analysis. Based on the available evidence, the clinical significance of this variant remains unclear.

NM_001458.5(FLNC):c.3897G>T (p.Lys1299Asn)

Gene: FLNC (filamin C; plus strand). Cytogenetic location: 7q32.1.
Variant type: single nucleotide variant.
Coding change: c.3897G>T on transcript NM_001458.5 (MANE Select); coding-DNA position 3897, G replaced by T.
Protein change: p.Lys1299Asn; replaces lysine 1299 with asparagine.
Molecular consequence: missense variant.
Genome position (GRCh38, 1-based): chr7:128,846,096, G>T. VCF-style: chr7-128846096-G-T. GRCh37 (hg19) VCF-style: chr7-128486150-G-T.
Other names: c.3897G>T, p.Lys1299Asn (NM_001127487.2); short protein forms K1299N.
Identifiers: ClinVar variation 4614193 (VCV004614193.1).